The following is an entry in ClinVar:

NM_001130144.3(LTBP3):c.2455A>G (p.Arg819Gly)

Gene: LTBP3 (latent transforming growth factor beta binding protein 3; minus strand). Cytogenetic location: 11q13.1.
Variant type: single nucleotide variant.
Coding change: c.2455A>G on transcript NM_001130144.3 (MANE Select); coding-DNA position 2455, A replaced by G.
Protein change: p.Arg819Gly; replaces arginine 819 with glycine.
Molecular consequence: missense variant.
Genome position (GRCh38, 1-based): chr11:65,543,448, T>C on the plus strand (A>G on the coding strand, the complement: LTBP3 is on the minus strand). VCF-style: chr11-65543448-T-C. GRCh37 (hg19) VCF-style: chr11-65310919-T-C.
Other names: c.2455A>G (NM_001130144.2); c.2104A>G, p.Arg702Gly (NM_001164266.1); c.2455A>G, p.Arg819Gly (NM_021070.4); short protein forms R702G, R819G.
Identifiers: ClinVar variation 1405158 (VCV001405158.7), dbSNP rs771624185, ClinGen allele CA6100614.

ClinVar aggregate classification (germline): Uncertain significance. Review status: criteria provided, multiple submitters, no conflicts (2 of 4 stars). 2 submissions from 2 submitters: Uncertain significance (2). Last evaluated 2025-08-22.

Conditions:
Inborn genetic diseases. Identifiers: MedGen C0950123, MeSH D030342.
Brachyolmia-amelogenesis imperfecta syndrome. Also called: PLATYSPONDYLY WITH AMELOGENESIS IMPERFECTA; Tooth agenesis, selective, 6; Dental anomalies and short stature. Identifiers: Orphanet 2899, MedGen C1832594, MONDO:0011018, OMIM 601216. Disease mechanism: loss of function.

Allele frequency attached by ClinVar (database versions not stated): gnomAD exomes below 0.00001 and 0.00001; ExAC 0.00001; gnomAD 0.00001; TOPMed 0.00010.

Submissions (2):

Labcorp Genetics (formerly Invitae), Labcorp
Classification: Uncertain significance for Brachyolmia-amelogenesis imperfecta syndrome. Last evaluated: 2025-08-22. Review status: criteria provided, single submitter. Criteria: Invitae Variant Classification Sherloc (09022015). Collection method: clinical testing. Allele origin: germline.
Comment: This sequence change replaces arginine, which is basic and polar, with glycine, which is neutral and non-polar, at codon 819 of the LTBP3 protein (p.Arg819Gly). This variant is present in population databases (rs771624185, gnomAD 0.01%). This variant has not been reported in the literature in individuals affected with LTBP3-related conditions. ClinVar contains an entry for this variant (Variation ID: 1405158). An algorithm developed to predict the effect of missense changes on protein structure and function (PolyPhen-2) suggests that this variant is likely to be disruptive. In summary, the available evidence is currently insufficient to determine the role of this variant in disease. Therefore, it has been classified as a Variant of Uncertain Significance.

Ambry Genetics
Classification: Uncertain significance for Inborn genetic diseases. Last evaluated: 2024-03-05. Review status: criteria provided, single submitter. Criteria: Ambry Variant Classification Scheme 2023. Collection method: clinical testing. Allele origin: germline.